The following is an entry in ClinVar:

NM_015512.5(DNAH1):c.3762G>T (p.Glu1254Asp)

Gene: DNAH1 (dynein axonemal heavy chain 1; plus strand). Cytogenetic location: 3p21.1.
Variant type: single nucleotide variant.
Coding change: c.3762G>T on transcript NM_015512.5 (MANE Select); coding-DNA position 3762, G replaced by T.
Protein change: p.Glu1254Asp; replaces glutamic acid 1254 with aspartic acid.
Molecular consequence: missense variant.
Genome position (GRCh38, 1-based): chr3:52,356,682, G>T. VCF-style: chr3-52356682-G-T. GRCh37 (hg19) VCF-style: chr3-52390698-G-T.
Other names: short protein forms E1254D.
Identifiers: ClinVar variation 1910628 (VCV001910628.4), dbSNP rs777114440, ClinGen allele CA2433689.

ClinVar aggregate classification (germline): Uncertain significance (1 of 4 stars; one submission).

Conditions:
Spermatogenic failure 18. Identifiers: MedGen C4539783, MONDO:0054615, OMIM 617576.
Ciliary dyskinesia, primary, 37 (CILD37). Also called: CILIARY DYSKINESIA, PRIMARY, 37, WITH OR WITHOUT SITUS INVERSUS. Identifiers: MedGen C4539798, MONDO:0033204, OMIM 617577.

Allele frequency attached by ClinVar (database versions not stated): gnomAD 0.00001.
gnomAD v4.1: 3 of 1,613,784 alleles (0.00019%); highest among the groups gnomAD compares: African/African-American, 0.004%; no homozygotes.

Submission:

Labcorp Genetics (formerly Invitae), Labcorp
Classification: Uncertain significance for Ciliary dyskinesia, primary, 37; Spermatogenic failure 18. Last evaluated: 2022-04-15. Review status: criteria provided, single submitter. Criteria: Invitae Variant Classification Sherloc (09022015). Collection method: clinical testing. Allele origin: germline.
Comment: In summary, the available evidence is currently insufficient to determine the role of this variant in disease. Therefore, it has been classified as a Variant of Uncertain Significance. Algorithms developed to predict the effect of missense changes on protein structure and function (SIFT, PolyPhen-2, Align-GVGD) all suggest that this variant is likely to be tolerated. This variant has not been reported in the literature in individuals affected with DNAH1-related conditions. This variant is present in population databases (rs777114440, gnomAD 0.007%). This sequence change replaces glutamic acid, which is acidic and polar, with aspartic acid, which is acidic and polar, at codon 1254 of the DNAH1 protein (p.Glu1254Asp).